The following is an entry in ClinVar:

ClinVar aggregate classification (germline): Pathogenic (1 of 4 stars; one submission).

Conditions:
FBXW7-related disorder. Also called: FBXW7-related condition; FBXW7-related disorders.

Submission:

Rady Children's Institute for Genomic Medicine, Rady Children's Hospital San Diego
Classification: Pathogenic for FBXW7-Related Disorders. Review status: criteria provided, single submitter. Criteria: ACMG Guidelines, 2015. Collection method: clinical testing. Allele origin: germline. Affected: yes.
Comment: This variant affects the canonical splice donor site of intron 11 and is therefore predicted to interfere with splicing and result in loss of normal protein function through either protein truncation or nonsense-mediated mRNA decay (NMD). This variant has not been previously reported or functionally characterized in the literature to our knowledge. Loss-of-function variation in FBXW7 has recently been associated with neurodevelopmental disorders (PMID: 35395208, 32960281). The c.1855+1G>C variant is absent from the gnomAD population database and thus is presumed to be rare. Analysis of the parental samples were negative for the variant, indicating this variant likely occurred as a de novo event. Based on the available evidence, the c.1855+1G>C variant is classified as Pathogenic.

NM_001349798.2(FBXW7):c.1855+1G>C

Gene: FBXW7 (F-box and WD repeat domain containing 7; minus strand). Cytogenetic location: 4q31.3.
Variant type: single nucleotide variant.
Coding change: c.1855+1G>C on transcript NM_001349798.2 (MANE Select); the canonical splice donor site of the intron after coding-DNA position 1855, G replaced by C.
Molecular consequence: splice donor variant.
Genome position (GRCh38, 1-based): chr4:152,324,183, C>G on the plus strand (G>C on the coding strand, the complement: FBXW7 is on the minus strand). VCF-style: chr4-152324183-C-G. GRCh37 (hg19) VCF-style: chr4-153245335-C-G.
Other names: c.1501+1G>C (NM_001013415.2); c.1615+1G>C (NM_018315.5); c.1855+1G>C (NM_033632.3).
Identifiers: ClinVar variation 2584429 (VCV002584429.1), dbSNP rs2126475180, ClinGen allele CA358617356.